The following is an entry in ClinVar:

NM_003907.3(EIF2B5):c.184G>T (p.Asp62Tyr)

Gene: EIF2B5 (eukaryotic translation initiation factor 2B subunit epsilon; plus strand). Cytogenetic location: 3q27.1.
Variant type: single nucleotide variant.
Coding change: c.184G>T on transcript NM_003907.3 (MANE Select); coding-DNA position 184, G replaced by T.
Protein change: p.Asp62Tyr; replaces aspartic acid 62 with tyrosine.
Molecular consequence: missense variant.
Genome position (GRCh38, 1-based): chr3:184,135,569, G>T. VCF-style: chr3-184135569-G-T. GRCh37 (hg19) VCF-style: chr3-183853357-G-T.
Other names: short protein forms D62Y.
Identifiers: ClinVar variation 4739939 (VCV004739939.1).
Genomic context (GRCh38, chr3:184,135,569, plus strand): 5'-CCCCTACAAGCAGTTCTGGTGGCCGATAGCTTCGATCGCCGCTTCTTCCCCATCTCCAAG[G>T]ACCAGCCTCGGGTGAGCGCCGCGCACGCGAGCAGCCAGAGGGCAGGAAGGGTGGCAGGGC-3'
Protein context (NP_003898.2, residues 52-72): FDRRFFPISK[Asp62Tyr]QPRVLLPLAN

ClinVar aggregate classification (germline): Uncertain significance (1 of 4 stars; one submission).

Submission:

Labcorp Genetics (formerly Invitae), Labcorp
Classification: Uncertain significance. Last evaluated: 2025-05-25. Review status: criteria provided, single submitter. Criteria: Invitae Variant Classification Sherloc (09022015). Collection method: clinical testing. Allele origin: germline.
Comment: This sequence change replaces aspartic acid, which is acidic and polar, with tyrosine, which is neutral and polar, at codon 62 of the EIF2B5 protein (p.Asp62Tyr). This variant is not present in population databases (gnomAD no frequency). This variant has not been reported in the literature in individuals affected with EIF2B5-related conditions. Invitae Evidence Modeling of protein sequence and biophysical properties (such as structural, functional, and spatial information, amino acid conservation, physicochemical variation, residue mobility, and thermodynamic stability) has been performed for this missense variant. However, the output from this modeling did not meet the statistical confidence thresholds required to predict the impact of this variant on EIF2B5 protein function. In summary, the available evidence is currently insufficient to determine the role of this variant in disease. Therefore, it has been classified as a Variant of Uncertain Significance.